The following is an entry in ClinVar:

ClinVar aggregate classification (germline): Uncertain significance. Review status: criteria provided, multiple submitters, no conflicts (2 of 4 stars). 2 submissions from 2 submitters: Uncertain significance (2). Last evaluated 2026-05-19.

Conditions:
UCP3-related disorder. Also called: UCP3-related condition.

Allele frequency attached by ClinVar (database versions not stated): gnomAD 0.00001; gnomAD exomes 0.00001; TOPMed 0.00002; ESP Exome Variant Server 0.00008.
gnomAD v4.1: 24 of 1,614,084 alleles (0.0015%); highest among the groups gnomAD compares: Non-Finnish European, 0.0019%; no homozygotes.

Submissions (2):

PreventionGenetics, part of Exact Sciences
Classification: Uncertain significance for UCP3-related condition. Last evaluated: 2026-05-19. Review status: criteria provided, single submitter. Criteria: ACMG Guidelines, 2015. Collection method: clinical testing. Allele origin: germline.
Comment: The UCP3 c.848T>C variant is predicted to result in the amino acid substitution p.Leu283Ser. To our knowledge, this variant has not been reported in the literature. This variant is reported in 0.0018% of alleles in individuals of European (Non-Finnish) descent in gnomAD. At this time, the clinical significance of this variant is uncertain due to the absence of conclusive functional and genetic evidence.

Ambry Genetics
Classification: Uncertain significance. Last evaluated: 2024-12-10. Review status: criteria provided, single submitter. Criteria: Ambry Variant Classification Scheme 2023. Collection method: clinical testing. Allele origin: germline.

NM_003356.4(UCP3):c.848T>C (p.Leu283Ser)

Gene: UCP3 (uncoupling protein 3; minus strand). Cytogenetic location: 11q13.4.
Variant type: single nucleotide variant.
Coding change: c.848T>C on transcript NM_003356.4 (MANE Select); coding-DNA position 848, T replaced by C.
Protein change: p.Leu283Ser; replaces leucine 283 with serine.
Molecular consequence: missense variant.
Genome position (GRCh38, 1-based): chr11:74,001,503, A>G on the plus strand (T>C on the coding strand, the complement: UCP3 is on the minus strand). VCF-style: chr11-74001503-A-G. GRCh37 (hg19) VCF-style: chr11-73712548-A-G.
Other names: short protein forms L283S.
Identifiers: ClinVar variation 3034048 (VCV003034048.4), dbSNP rs375747984, ClinGen allele CA224481014.